The following is an entry in ClinVar:

NM_172362.3(KCNH1):c.1387A>G (p.Ser463Gly)

Gene: KCNH1 (potassium voltage-gated channel subfamily H member 1; minus strand). Cytogenetic location: 1q32.2.
Variant type: single nucleotide variant.
Coding change: c.1387A>G on transcript NM_172362.3 (MANE Select); coding-DNA position 1387, A replaced by G.
Protein change: p.Ser463Gly; replaces serine 463 with glycine.
Molecular consequence: missense variant.
Genome position (GRCh38, 1-based): chr1:210,919,715, T>C on the plus strand (A>G on the coding strand, the complement: KCNH1 is on the minus strand). VCF-style: chr1-210919715-T-C. GRCh37 (hg19) VCF-style: chr1-211093057-T-C.
Other names: c.1306A>G, p.Ser436Gly (NM_002238.4); short protein forms S436G, S463G.
Identifiers: ClinVar variation 2088643 (VCV002088643.4), dbSNP rs2527119876, ClinGen allele CA344873078.

ClinVar aggregate classification (germline): Uncertain significance (1 of 4 stars; one submission).

Submission:

Labcorp Genetics (formerly Invitae), Labcorp
Classification: Uncertain significance. Last evaluated: 2022-01-21. Review status: criteria provided, single submitter. Criteria: Invitae Variant Classification Sherloc (09022015). Collection method: clinical testing. Allele origin: germline.
Comment: This sequence change replaces serine, which is neutral and polar, with glycine, which is neutral and non-polar, at codon 463 of the KCNH1 protein (p.Ser463Gly). This variant is not present in population databases (gnomAD no frequency). This variant has not been reported in the literature in individuals affected with KCNH1-related conditions. Advanced modeling of protein sequence and biophysical properties (such as structural, functional, and spatial information, amino acid conservation, physicochemical variation, residue mobility, and thermodynamic stability) performed at Invitae indicates that this missense variant is expected to disrupt KCNH1 protein function. In summary, the available evidence is currently insufficient to determine the role of this variant in disease. Therefore, it has been classified as a Variant of Uncertain Significance.